The following is an entry in ClinVar:

ClinVar aggregate classification (germline): Uncertain significance. Review status: criteria provided, multiple submitters, no conflicts (2 of 4 stars). 2 submissions from 2 submitters: Uncertain significance (2). Last evaluated 2024-09-26.

Conditions:
Inborn genetic diseases. Identifiers: MedGen C0950123, MeSH D030342.

gnomAD v4.1: 7 of 1,613,982 alleles (0.00043%); highest among the groups gnomAD compares: Non-Finnish European, 0.00059%; no homozygotes.

Submissions (2):

Ambry Genetics
Classification: Uncertain significance for Inborn genetic diseases. Last evaluated: 2024-09-26. Review status: criteria provided, single submitter. Criteria: Ambry Variant Classification Scheme 2023. Collection method: clinical testing. Allele origin: germline.

Labcorp Genetics (formerly Invitae), Labcorp
Classification: Uncertain significance. Last evaluated: 2021-10-12. Review status: criteria provided, single submitter. Criteria: Invitae Variant Classification Sherloc (09022015). Collection method: clinical testing. Allele origin: germline.
Comment: In summary, the available evidence is currently insufficient to determine the role of this variant in disease. Therefore, it has been classified as a Variant of Uncertain Significance. Algorithms developed to predict the effect of missense changes on protein structure and function (SIFT, PolyPhen-2, Align-GVGD) all suggest that this variant is likely to be tolerated. This variant has not been reported in the literature in individuals affected with LRRK1-related conditions. This variant is not present in population databases (ExAC no frequency). This sequence change replaces proline with threonine at codon 231 of the LRRK1 protein (p.Pro231Thr). The proline residue is weakly conserved and there is a small physicochemical difference between proline and threonine.

NM_024652.6(LRRK1):c.691C>A (p.Pro231Thr)

Gene: LRRK1 (leucine rich repeat kinase 1; plus strand). Cytogenetic location: 15q26.3.
Variant type: single nucleotide variant.
Coding change: c.691C>A on transcript NM_024652.6 (MANE Select); coding-DNA position 691, C replaced by A.
Protein change: p.Pro231Thr; replaces proline 231 with threonine.
Molecular consequence: missense variant.
Genome position (GRCh38, 1-based): chr15:100,989,327, C>A. VCF-style: chr15-100989327-C-A. GRCh37 (hg19) VCF-style: chr15-101529532-C-A.
Other names: c.691C>A (NM_024652.3); short protein forms P231T.
Identifiers: ClinVar variation 1420381 (VCV001420381.7), dbSNP rs755289273, ClinGen allele CA393952266.
Genomic context (GRCh38, chr15:100,989,327, plus strand): 5'-ATATTCCTGCTTCGGCATGGGGCCTATTTCTGTTCCTACATCTTGCTGGATAGTCCTGAC[C>A]CCAGCAAACATCTGCTGAGAAAGTACTTCATTGAAGCCAGTCCCTTGCCCAGCAGTTATC-3'
Protein context (NP_078928.3, residues 221-241): CSYILLDSPD[Pro231Thr]SKHLLRKYFI